The following is an entry in ClinVar:

NM_001374828.1(ARID1B):c.4479+1G>C

Gene: ARID1B (AT-rich interaction domain 1B; plus strand). Cytogenetic location: 6q25.3.
Variant type: single nucleotide variant.
Coding change: c.4479+1G>C on transcript NM_001374828.1 (MANE Select); the canonical splice donor site of the intron after coding-DNA position 4479, G replaced by C.
Molecular consequence: splice donor variant.
Genome position (GRCh38, 1-based): chr6:157,198,908, G>C. VCF-style: chr6-157198908-G-C. GRCh37 (hg19) VCF-style: chr6-157520042-G-C.
Other names: c.4110+1G>C (NM_020732.3); c.4359+1G>C (NM_001374820.1, NM_001371656.1); c.4320+1G>C (NM_017519.3); c.1980+1G>C (NM_001363725.2).
Identifiers: ClinVar variation 452881 (VCV000452881.4), dbSNP rs1554235041, ClinGen allele CA366239926.

ClinVar aggregate classification (germline): Pathogenic (1 of 4 stars; one submission).

Submission:

GeneDx
Classification: Pathogenic. Last evaluated: 2023-09-26. Review status: criteria provided, single submitter. Criteria: GeneDx Variant Classification Process June 2021. Collection method: clinical testing. Allele origin: germline. Affected: yes.
Comment: Canonical splice site variant predicted to result in a null allele in a gene for which loss of function is a known mechanism of disease; Not observed at significant frequency in large population cohorts (gnomAD); Has not been previously published as pathogenic or benign to our knowledge